The following is an entry in ClinVar:

NM_018089.3(ANKZF1):c.577G>A (p.Glu193Lys)

Gene: ANKZF1 (ankyrin repeat and zinc finger peptidyl tRNA hydrolase 1; plus strand). Cytogenetic location: 2q35.
Variant type: single nucleotide variant.
Coding change: c.577G>A on transcript NM_018089.3 (MANE Select); coding-DNA position 577, G replaced by A.
Protein change: p.Glu193Lys; replaces glutamic acid 193 with lysine.
Molecular consequence: missense variant. On other transcripts: 5 prime UTR variant (1).
Genome position (GRCh38, 1-based): chr2:219,233,097, G>A. VCF-style: chr2-219233097-G-A. GRCh37 (hg19) VCF-style: chr2-220097819-G-A.
Other names: c.577G>A, p.Glu193Lys (NM_001042410.2); c.-54G>A (NM_001282792.2); c.577G>A (NM_018089.2); short protein forms E193K.
Identifiers: ClinVar variation 1413098 (VCV001413098.7), dbSNP rs368331254, ClinGen allele CA2120791.

ClinVar aggregate classification (germline): Uncertain significance. Review status: criteria provided, multiple submitters, no conflicts (2 of 4 stars). 2 submissions from 2 submitters: Uncertain significance (2). Last evaluated 2026-01-22.

Allele frequency attached by ClinVar (database versions not stated): ExAC 0.00004; gnomAD exomes 0.00005 and 0.00018; gnomAD 0.00009; TOPMed 0.00014; ESP Exome Variant Server 0.00016.
gnomAD v4.1: 282 of 1,613,904 alleles (0.017%); highest among the groups gnomAD compares: Non-Finnish European, 0.023%; no homozygotes.

Submissions (2):

Labcorp Genetics (formerly Invitae), Labcorp
Classification: Uncertain significance. Last evaluated: 2026-01-22. Review status: criteria provided, single submitter. Criteria: Invitae Variant Classification Sherloc (09022015). Collection method: clinical testing. Allele origin: germline.
Comment: This sequence change replaces glutamic acid, which is acidic and polar, with lysine, which is basic and polar, at codon 193 of the ANKZF1 protein (p.Glu193Lys). This variant is present in population databases (rs368331254, gnomAD 0.009%). This variant has not been reported in the literature in individuals affected with ANKZF1-related conditions. ClinVar contains an entry for this variant (Variation ID: 1413098). An algorithm developed to predict the effect of missense changes on protein structure and function outputs the following: PolyPhen-2: "Benign". The lysine amino acid residue is found in multiple mammalian species, which suggests that this missense change does not adversely affect protein function. In summary, the available evidence is currently insufficient to determine the role of this variant in disease. Therefore, it has been classified as a Variant of Uncertain Significance.

Ambry Genetics
Classification: Uncertain significance. Last evaluated: 2024-09-30. Review status: criteria provided, single submitter. Criteria: Ambry Variant Classification Scheme 2023. Collection method: clinical testing. Allele origin: germline.